The following is an entry in ClinVar:

ClinVar aggregate classification (germline): Likely benign. Review status: criteria provided, multiple submitters, no conflicts (2 of 4 stars). 6 submissions from 6 submitters: Likely benign (6). Last evaluated 2025-11-10.

Conditions:
Early-infantile DEE. Also called: Early infantile epileptic encephalopathy; Ohtahara syndrome; Early infantile epileptic encephalopathy with suppression bursts. Identifiers: Orphanet 1934, MedGen C0393706, MONDO:0800491.
Inborn genetic diseases. Identifiers: MedGen C0950123, MeSH D030342.

Submissions (6):

Labcorp Genetics (formerly Invitae), Labcorp
Classification: Likely benign for Early-infantile DEE. Last evaluated: 2025-11-10. Review status: criteria provided, single submitter. Criteria: Invitae Variant Classification Sherloc (09022015). Collection method: clinical testing. Allele origin: germline.

CeGaT Center for Human Genetics Tuebingen
Classification: Likely benign. Last evaluated: 2025-11-01. Review status: criteria provided, single submitter. Criteria: CeGaT Center For Human Genetics Tuebingen Variant Classification Criteria Version 2. Collection method: clinical testing. Allele origin: germline. Affected: yes. Observed: 6 variant alleles.
Comment: HCN1: BS1

Blueprint Genetics
Classification: Likely benign. Last evaluated: 2024-09-13. Review status: criteria provided, single submitter. Criteria: ACMG Guidelines, 2015. Collection method: clinical testing. Allele origin: germline.

GeneDx
Classification: Likely benign. Last evaluated: 2023-01-27. Review status: criteria provided, single submitter. Criteria: GeneDx Variant Classification Process June 2021. Collection method: clinical testing. Allele origin: germline. Affected: yes.
Comment: See Variant Classification Assertion Criteria.

Ambry Genetics
Classification: Likely benign for Inborn genetic diseases. Last evaluated: 2021-12-15. Review status: criteria provided, single submitter. Criteria: Ambry Variant Classification Scheme 2023. Collection method: clinical testing. Allele origin: germline.

Eurofins Ntd Llc (ga)
Classification: Likely benign. Last evaluated: 2015-10-01. Review status: criteria provided, single submitter. Criteria: EGL Classification Definitions. Collection method: clinical testing. Allele origin: germline. Observed: 2 variant alleles, 2 heterozygotes.

NM_021072.4(HCN1):c.203GCG[10] (p.Gly72_Gly74dup)

Gene: HCN1 (hyperpolarization activated cyclic nucleotide gated potassium channel 1; minus strand). Cytogenetic location: 5p12.
Variant type: Microsatellite.
Coding change: c.203GCG[10] on transcript NM_021072.4 (MANE Select); ten copies in a row of the 3-base unit GCG starting at c.203; the reference has seven copies in a row; three copies, 9 bases duplicated.
Protein change: p.Gly72_Gly74dup.
Molecular consequence: inframe insertion.
Genome position (GRCh38, 1-based): chr5:45,695,871-45,695,879, CGCCGCCGC duplicated on the plus strand (GCGGCGGCG on the coding strand, the reverse complement: HCN1 is on the minus strand); duplicating any 9 consecutive bases within chr5:45,695,871-45,695,892 gives the same sequence; the position shown is the placement nearest the transcript's 3' end. VCF-style (leftmost placement, unchanged base first): chr5-45695870-T-TCGCCGCCGC. GRCh37 (hg19) VCF-style: chr5-45695972-T-TCGCCGCCGC.
Identifiers: ClinVar variation 461370 (VCV000461370.82), dbSNP rs747975797, ClinGen allele CA238966.